The following is an entry in ClinVar:

ClinVar aggregate classification (germline): Uncertain significance (1 of 4 stars; one submission).

Submission:

GeneDx
Classification: Uncertain significance. Last evaluated: 2025-03-12. Review status: criteria provided, single submitter. Criteria: GeneDx Variant Classification Process June 2021. Collection method: clinical testing. Allele origin: germline. Affected: yes.
Comment: Not observed in large population cohorts (gnomAD); In silico analysis supports that this missense variant has a deleterious effect on protein structure/function; Has not been previously published as pathogenic or benign to our knowledge

NM_138459.5(NUS1):c.689T>C (p.Leu230Pro)

Gene: NUS1 (NUS1 dehydrodolichyl diphosphate synthase subunit; plus strand). Cytogenetic location: 6q22.1.
Variant type: single nucleotide variant.
Coding change: c.689T>C on transcript NM_138459.5 (MANE Select); coding-DNA position 689, T replaced by C.
Protein change: p.Leu230Pro; replaces leucine 230 with proline.
Molecular consequence: missense variant.
Genome position (GRCh38, 1-based): chr6:117,694,178, T>C. VCF-style: chr6-117694178-T-C. GRCh37 (hg19) VCF-style: chr6-118015341-T-C.
Other names: short protein forms L230P.
Identifiers: ClinVar variation 1312416 (VCV001312416.3), dbSNP rs2114687540, ClinGen allele CA365537226.
Genomic context (GRCh38, chr6:117,694,178, plus strand): 5'-TAGTAGCCCAGAAGCAAAAGAGACCCACAGATTTGGATGTAGATACGTTAGCCAGTTTAC[T>C]TAGTAAGTTTTTTTATATATATATACATATATATGTATATGTATGTGTGTGTGTTTAGTT-3'
Protein context (NP_612468.1, residues 220-240): DLDVDTLASL[Leu230Pro]SSNGCPDPDL